The following is an entry in ClinVar:

ClinVar aggregate classification (germline): Likely pathogenic (1 of 4 stars; one submission).

Conditions:
OPA1-related disorder. Also called: OPA1-related condition; OPA1-related disorders.

Submission:

PreventionGenetics, part of Exact Sciences
Classification: Likely pathogenic for OPA1-related condition. Last evaluated: 2022-11-03. Review status: criteria provided, single submitter. Criteria: ACMG Guidelines, 2015. Collection method: clinical testing. Allele origin: germline.
Comment: The OPA1 c.219delG variant is predicted to result in a frameshift and premature protein termination (p.Lys74Asnfs*20). To our knowledge, this variant has not been reported in the literature or in a large population database, indicating this variant is rare. Frameshift variants in OPA1 are expected to be pathogenic, and therefore we interpret c.219del (p.Lys74Asnfs*20) as likely pathogenic.

NM_130837.3(OPA1):c.219del (p.Lys74fs)

Gene: OPA1 (OPA1 mitochondrial dynamin like GTPase; plus strand). Cytogenetic location: 3q29.
Variant type: Deletion.
Coding change: c.219del on transcript NM_130837.3 (MANE Select); coding-DNA position 219, one base deleted (G; older notation c.219delG).
Protein change: p.Lys74fs; shifts the reading frame from lysine 74.
Molecular consequence: frameshift variant. On other transcripts: 5 prime UTR variant (2).
Genome position (GRCh38, 1-based): chr3:193,614,909, G deleted. VCF-style (leftmost placement, unchanged base first): chr3-193614908-TG-T. GRCh37 (hg19) VCF-style: chr3-193332697-TG-T.
Other names: c.-154del (NM_001354663.2, NM_001354664.2); c.219del, p.Lys74fs (NM_015560.3, NM_130831.3, NM_130832.3 and 4 more transcripts); short protein forms K74fs.
Identifiers: ClinVar variation 2635566 (VCV002635566.1), dbSNP rs2474576718, ClinGen allele CA2695199349.